The following is an entry in ClinVar:

NM_182914.3(SYNE2):c.14715G>C (p.Leu4905Phe)

Gene: SYNE2 (spectrin repeat containing nuclear envelope protein 2; plus strand). Cytogenetic location: 14q23.2.
Variant type: single nucleotide variant.
Coding change: c.14715G>C on transcript NM_182914.3 (MANE Select); coding-DNA position 14715, G replaced by C.
Protein change: p.Leu4905Phe; replaces leucine 4905 with phenylalanine.
Molecular consequence: missense variant.
Genome position (GRCh38, 1-based): chr14:64,137,855, G>C. VCF-style: chr14-64137855-G-C. GRCh37 (hg19) VCF-style: chr14-64604573-G-C.
Other names: c.14715G>C, p.Leu4905Phe (NM_015180.6); short protein forms L4905F.
Identifiers: ClinVar variation 971560 (VCV000971560.9), dbSNP rs2098107665, ClinGen allele CA389936737.

ClinVar aggregate classification (germline): Uncertain significance (1 of 4 stars; one submission).

Conditions:
Emery-Dreifuss muscular dystrophy 5, autosomal dominant (EDMD5). Also called: EMERY-DREIFUSS MUSCULAR DYSTROPHY 5. Identifiers: Orphanet 261, MedGen C2751805, MONDO:0013072, OMIM 612999.

Submission:

Labcorp Genetics (formerly Invitae), Labcorp
Classification: Uncertain significance for Emery-Dreifuss muscular dystrophy 5, autosomal dominant. Last evaluated: 2024-11-18. Review status: criteria provided, single submitter. Criteria: Invitae Variant Classification Sherloc (09022015). Collection method: clinical testing. Allele origin: germline.
Comment: This sequence change replaces leucine, which is neutral and non-polar, with phenylalanine, which is neutral and non-polar, at codon 4905 of the SYNE2 protein (p.Leu4905Phe). This variant is not present in population databases (gnomAD no frequency). This variant has not been reported in the literature in individuals affected with SYNE2-related conditions. ClinVar contains an entry for this variant (Variation ID: 971560). An algorithm developed to predict the effect of missense changes on protein structure and function (PolyPhen-2) suggests that this variant is likely to be disruptive. In summary, the available evidence is currently insufficient to determine the role of this variant in disease. Therefore, it has been classified as a Variant of Uncertain Significance.